The following is an entry in ClinVar:

ClinVar aggregate classification (germline): Conflicting classifications of pathogenicity. Review status: criteria provided, conflicting classifications (1 of 4 stars). 2 submissions from 2 submitters: Uncertain significance (1); Benign (1). Last evaluated 2025-09-03.

Conditions:
HCFC1-related disorder. Also called: HCFC1-related condition.
Methylmalonic acidemia with homocystinuria, type cblX (MAHCX). Also called: INTELLECTUAL DEVELOPMENTAL DISORDER, X-LINKED 3. Identifiers: Orphanet 369962, MedGen C0796208, MONDO:0010657, OMIM 309541.

Allele frequency attached by ClinVar (database versions not stated): gnomAD exomes 0.00001; ExAC 0.00009; ESP Exome Variant Server 0.00010; gnomAD 0.00011; TOPMed 0.00012; 1000 Genomes Project 30x 0.00042; 1000 Genomes Project 0.00053.
gnomAD v4.1: 24 of 1,193,913 alleles (0.002%); highest among the groups gnomAD compares: African/African-American, 0.04%; no homozygotes.

Submissions (2):

PreventionGenetics, part of Exact Sciences
Classification: Uncertain significance for HCFC1-related condition. Last evaluated: 2025-09-03. Review status: criteria provided, single submitter. Criteria: ACMG Guidelines, 2015. Collection method: clinical testing. Allele origin: germline.
Comment: The HCFC1 c.5113G>A variant is predicted to result in the amino acid substitution p.Ala1705Thr. To our knowledge, this variant has not been reported in the literature. This variant is reported in 0.048% of alleles in individuals of African descent in gnomAD, including three hemizygous individuals, which may be too frequent to be a primary cause of disease. Although we suspect that this variant may be benign, the clinical significance of this variant is currently classified as uncertain due to the absence of conclusive functional and genetic evidence.

Labcorp Genetics (formerly Invitae), Labcorp
Classification: Benign for Methylmalonic acidemia with homocystinuria, type cblX. Last evaluated: 2023-07-25. Review status: criteria provided, single submitter. Criteria: Invitae Variant Classification Sherloc (09022015). Collection method: clinical testing. Allele origin: germline.

NM_005334.3(HCFC1):c.5113G>A (p.Ala1705Thr)

Gene: HCFC1 (host cell factor C1; minus strand). Cytogenetic location: Xq28.
Variant type: single nucleotide variant.
Coding change: c.5113G>A on transcript NM_005334.3 (MANE Select); coding-DNA position 5113, G replaced by A.
Protein change: p.Ala1705Thr; replaces alanine 1705 with threonine.
Molecular consequence: missense variant.
Genome position (GRCh38, 1-based): chrX:153,951,988, C>T on the plus strand (G>A on the coding strand, the complement: HCFC1 is on the minus strand). VCF-style: chrX-153951988-C-T. GRCh37 (hg19) VCF-style: chrX-153217439-C-T.
Other names: c.5248G>A, p.Ala1750Thr (NM_001410705.1); short protein forms A1705T, A1750T.
Identifiers: ClinVar variation 2635816 (VCV002635816.5), dbSNP rs373226992, ClinGen allele CA10556864.